The following is an entry in ClinVar:

ClinVar aggregate classification (germline): Pathogenic (1 of 4 stars; one submission).

Conditions:
Adams-Oliver syndrome 5 (AOS5). Identifiers: Orphanet 974, MedGen C4014970, MONDO:0014459, OMIM 616028.

Submission:

Labcorp Genetics (formerly Invitae), Labcorp
Classification: Pathogenic for Adams-Oliver syndrome 5. Last evaluated: 2023-03-07. Review status: criteria provided, single submitter. Criteria: Invitae Variant Classification Sherloc (09022015). Collection method: clinical testing. Allele origin: germline.
Comment: This sequence change creates a premature translational stop signal (p.Cys1264*) in the NOTCH1 gene. It is expected to result in an absent or disrupted protein product. Loss-of-function variants in NOTCH1 are known to be pathogenic (PMID: 16025100, 21457232, 25132448, 25963545). This variant is not present in population databases (gnomAD no frequency). For these reasons, this variant has been classified as Pathogenic. This variant has not been reported in the literature in individuals affected with NOTCH1-related conditions.

Literature cited by the submitters: PubMed 16025100; PubMed 21457232; PubMed 25132448; PubMed 25963545.

NM_017617.5(NOTCH1):c.3792_3793del (p.Cys1264_Glu1265delinsTer)

Gene: NOTCH1 (notch receptor 1; minus strand). Cytogenetic location: 9q34.3.
Variant type: Microsatellite.
Coding change: c.3792_3793del on transcript NM_017617.5 (MANE Select); coding-DNA positions 3792 to 3793, 2 bases deleted (TG; older notation c.3792_3793delTG).
Protein change: p.Cys1264_Glu1265delinsTer.
Molecular consequence: nonsense.
Genome position (GRCh38, 1-based): chr9:136,506,824-136,506,825, CA deleted on the plus strand (TG on the coding strand, the reverse complement: NOTCH1 is on the minus strand); deleting any 2 consecutive bases within chr9:136,506,824-136,506,827 gives the same sequence; the c. name uses the placement nearest the transcript's 3' end. VCF-style (leftmost placement, unchanged base first): chr9-136506823-TCA-T. GRCh37 (hg19) VCF-style: chr9-139401275-TCA-T.
Identifiers: ClinVar variation 2843383 (VCV002843383.3), dbSNP rs2540440269, ClinGen allele CA2739265199.